The following is an entry in ClinVar:

ClinVar aggregate classification (germline): Uncertain significance. Review status: criteria provided, multiple submitters, no conflicts (2 of 4 stars). 2 submissions from 2 submitters: Uncertain significance (2). Last evaluated 2025-10-09.

Conditions:
Cystic fibrosis (CF). Also called: MUCOVISCIDOSIS. Identifiers: Orphanet 586, MedGen C0010674, MONDO:0009061, OMIM 219700. Disease mechanism: loss of function.

Submissions (2):

Labcorp Genetics (formerly Invitae), Labcorp
Classification: Uncertain significance for Cystic fibrosis. Last evaluated: 2025-10-09. Review status: criteria provided, single submitter. Criteria: Invitae Variant Classification Sherloc (09022015). Collection method: clinical testing. Allele origin: germline.
Comment: This sequence change replaces isoleucine, which is neutral and non-polar, with leucine, which is neutral and non-polar, at codon 105 of the CFTR protein (p.Ile105Leu). This variant is not present in population databases (gnomAD no frequency). This variant has not been reported in the literature in individuals affected with CFTR-related conditions. ClinVar contains an entry for this variant (Variation ID: 1415535). Invitae Evidence Modeling of protein sequence and biophysical properties (such as structural, functional, and spatial information, amino acid conservation, physicochemical variation, residue mobility, and thermodynamic stability) indicates that this missense variant is expected to disrupt CFTR protein function with a positive predictive value of 80%. This variant disrupts the p.Ile105 amino acid residue in CFTR. Other variant(s) that disrupt this residue have been determined to be pathogenic (PMID: 20657600, 25697318, 26574590, 27214204, 28830496; internal data). This suggests that this residue is clinically significant, and that variants that disrupt this residue are likely to be disease-causing. In summary, the available evidence is currently insufficient to determine the role of this variant in disease. Therefore, it has been classified as a Variant of Uncertain Significance.

Ambry Genetics
Classification: Uncertain significance for Cystic fibrosis. Last evaluated: 2023-03-03. Review status: criteria provided, single submitter. Criteria: Ambry Variant Classification Scheme 2023. Collection method: clinical testing. Allele origin: germline.
Comment: The p.I105L variant (also known as c.313A>C), located in coding exon 4 of the CFTR gene, results from an A to C substitution at nucleotide position 313. The isoleucine at codon 105 is replaced by leucine, an amino acid with highly similar properties. This amino acid position is highly conserved in available vertebrate species. In addition, this alteration is predicted to be deleterious by in silico analysis. Since supporting evidence is limited at this time, the clinical significance of this alteration remains unclear.

Literature cited by the submitters: PubMed 20657600 (cited by Labcorp Genetics (formerly Invitae), Labcorp); PubMed 25697318 (cited by Labcorp Genetics (formerly Invitae), Labcorp); PubMed 26574590 (cited by Labcorp Genetics (formerly Invitae), Labcorp); PubMed 27214204 (cited by Labcorp Genetics (formerly Invitae), Labcorp); PubMed 28830496 (cited by Labcorp Genetics (formerly Invitae), Labcorp).

NM_000492.4(CFTR):c.313A>C (p.Ile105Leu)

Gene: CFTR (CF transmembrane conductance regulator; plus strand). Cytogenetic location: 7q31.2.
Variant type: single nucleotide variant.
Coding change: c.313A>C on transcript NM_000492.4 (MANE Select); coding-DNA position 313, A replaced by C.
Protein change: p.Ile105Leu; replaces isoleucine 105 with leucine.
Molecular consequence: missense variant.
Genome position (GRCh38, 1-based): chr7:117,530,938, A>C. VCF-style: chr7-117530938-A-C. GRCh37 (hg19) VCF-style: chr7-117170992-A-C.
Other names: c.313A>C (NM_000492.3); short protein forms I105L.
Identifiers: ClinVar variation 1415535 (VCV001415535.9), dbSNP rs758675549, ClinGen allele CA368974329.
Genomic context (GRCh38, chr7:117,530,938, plus strand): 5'-TCTGTTTTTCCCCTTTTGTAGGAAGTCACCAAAGCAGTACAGCCTCTCTTACTGGGAAGA[A>C]TCATAGCTTCCTATGACCCGGATAACAAGGAGGAACGCTCTATCGCGATTTATCTAGGCA-3'
Protein context (NP_000483.3, residues 95-115): KAVQPLLLGR[Ile105Leu]IASYDPDNKE